The following is an entry in ClinVar:

ClinVar aggregate classification (germline): Benign (1 of 4 stars; one submission).

Conditions:
Glycogen storage disease, type II (IOPD). Also called: Pompe Disease; CARDIOMEGALIA GLYCOGENICA DIFFUSA; GLYCOGENOSIS, GENERALIZED, CARDIAC FORM; GSD II; POMPE DISEASE, INFANTILE-ONSET; GLYCOGEN STORAGE DISEASE II, INFANTILE-ONSET. Identifiers: Orphanet 365, MedGen C0017921, MONDO:0009290, OMIM 232300.

gnomAD v4.1: 8,876 of 152,286 alleles (5.8%); highest among the groups gnomAD compares: South Asian, 15%; 510 homozygotes.

Submission:

Genomenon, Inc
Classification: Benign for Glycogen storage disease, type II. Last evaluated: 2026-07-01. Review status: criteria provided, single submitter. Criteria: Genomenon Sequence Variant Interpretation Standards - Updated. Collection method: curation. Allele origin: germline. Affected: no.
Comment: GAA c.-33+1172G>A is an intronic variant located in the 5′ untranslated region (5′ UTR). This variant is present at high allele frequency in population databases. We classify GAA c.-33+1172G>A as a benign variant.

NM_000152.5(GAA):c.-33+1172G>A

Gene: GAA (alpha glucosidase; plus strand). Cytogenetic location: 17q25.3.
Variant type: single nucleotide variant.
Coding change: c.-33+1172G>A on transcript NM_000152.5 (MANE Select); 1172 bases into the intron after 33 bases upstream of the start codon, G replaced by A.
Molecular consequence: intron variant.
Genome position (GRCh38, 1-based): chr17:80,103,062, G>A. VCF-style: chr17-80103062-G-A. GRCh37 (hg19) VCF-style: chr17-78076861-G-A.
Other names: c.-33+1172G>A (NM_001406741.1, NM_001079803.3); c.-33+1137G>A (NM_001406742.1); c.-33+1437G>A (NM_001079804.3).
Identifiers: ClinVar variation 4876430 (VCV004876430.1).